The following is an entry in ClinVar:

ClinVar aggregate classification (germline): Uncertain significance. Review status: criteria provided, multiple submitters, no conflicts (2 of 4 stars). 3 submissions from 3 submitters: Uncertain significance (3). Last evaluated 2025-12-24.

Conditions:
Cardiovascular phenotype. Identifiers: MedGen CN230736.
Dilated cardiomyopathy 1AA (CMD1AA). Also called: CARDIOMYOPATHY, DILATED, 1AA, WITH OR WITHOUT LEFT VENTRICULAR NONCOMPACTION; CARDIOMYOPATHY, FAMILIAL HYPERTROPHIC, 23, WITH OR WITHOUT LEFT VENTRICULAR NONCOMPACTION; Cardiomyopathy, dilated, 1AA, with or without LVNC. Identifiers: Orphanet 154, MedGen C2677338, MONDO:0012808, OMIM 612158.
Primary familial hypertrophic cardiomyopathy (HCM). Identifiers: Orphanet 99739, MedGen C0949658, MeSH D024741, MONDO:0024573. Inheritance: Various modes of inheritance.

Allele frequency attached by ClinVar (database versions not stated): gnomAD exomes below 0.00001; TOPMed below 0.00001; gnomAD 0.00001; 1000 Genomes Project 30x 0.00016.
gnomAD v4.1: 7 of 1,614,174 alleles (0.00043%); highest among the groups gnomAD compares: East Asian, 0.0045%; no homozygotes.

Submissions (3):

Labcorp Genetics (formerly Invitae), Labcorp
Classification: Uncertain significance for Primary familial hypertrophic cardiomyopathy; Dilated cardiomyopathy 1AA. Last evaluated: 2025-12-24. Review status: criteria provided, single submitter. Criteria: Invitae Variant Classification Sherloc (09022015). Collection method: clinical testing. Allele origin: germline.
Comment: This sequence change replaces arginine, which is basic and polar, with cysteine, which is neutral and slightly polar, at codon 631 of the ACTN2 protein (p.Arg631Cys). This variant is present in population databases (no rsID available, gnomAD 0.005%). This variant has not been reported in the literature in individuals affected with ACTN2-related conditions. ClinVar contains an entry for this variant (Variation ID: 853390). Invitae Evidence Modeling of protein sequence and biophysical properties (such as structural, functional, and spatial information, amino acid conservation, physicochemical variation, residue mobility, and thermodynamic stability) indicates that this missense variant is not expected to disrupt ACTN2 protein function with a negative predictive value of 80%. In summary, the available evidence is currently insufficient to determine the role of this variant in disease. Therefore, it has been classified as a Variant of Uncertain Significance.

Molecular Diagnostic Laboratory for Inherited Cardiovascular Disease, Montreal Heart Institute
Classification: Uncertain significance for Cardiovascular phenotype. Last evaluated: 2025-04-09. Review status: criteria provided, single submitter. Criteria: ACMG Guidelines, 2015. Collection method: clinical testing. Allele origin: germline. Affected: yes.
Comment: PM2, PP3

Ambry Genetics
Classification: Uncertain significance for Cardiovascular phenotype. Last evaluated: 2023-07-06. Review status: criteria provided, single submitter. Criteria: Ambry Variant Classification Scheme 2023. Collection method: clinical testing. Allele origin: germline.
Comment: The p.R631C variant (also known as c.1891C>T), located in coding exon 16 of the ACTN2 gene, results from a C to T substitution at nucleotide position 1891. The arginine at codon 631 is replaced by cysteine, an amino acid with highly dissimilar properties. This amino acid position is highly conserved in available vertebrate species. In addition, this alteration is predicted to be deleterious by in silico analysis. Since supporting evidence is limited at this time, the clinical significance of this alteration remains unclear.

NM_001103.4(ACTN2):c.1891C>T (p.Arg631Cys)

Gene: ACTN2 (actinin alpha 2; plus strand). Cytogenetic location: 1q43.
Variant type: single nucleotide variant.
Coding change: c.1891C>T on transcript NM_001103.4 (MANE Select); coding-DNA position 1891, C replaced by T.
Protein change: p.Arg631Cys; replaces arginine 631 with cysteine.
Molecular consequence: missense variant.
Genome position (GRCh38, 1-based): chr1:236,753,998, C>T. VCF-style: chr1-236753998-C-T. GRCh37 (hg19) VCF-style: chr1-236917298-C-T.
Other names: c.1891C>T, p.Arg631Cys (NM_001278343.2); c.1267C>T, p.Arg423Cys (NM_001278344.2); short protein forms R423C, R631C.
Identifiers: ClinVar variation 853390 (VCV000853390.13), dbSNP rs1446087607, ClinGen allele CA345386797.